The following is an entry in ClinVar:

ClinVar aggregate classification (germline): Uncertain significance. Review status: criteria provided, multiple submitters, no conflicts (2 of 4 stars). 2 submissions from 2 submitters: Uncertain significance (2). Last evaluated 2026-01-27.

Conditions:
Cardiovascular phenotype. Identifiers: MedGen CN230736.
Brugada syndrome 8 (BRGDA8). Identifiers: Orphanet 130, MedGen C2751083, MONDO:0013148, OMIM 613123.

Allele frequency attached by ClinVar (database versions not stated): gnomAD 0.00004 and 0.00003; ExAC 0.00001; gnomAD exomes 0.00002; TOPMed 0.00003.
gnomAD v4.1: 37 of 1,597,290 alleles (0.0023%); highest among the groups gnomAD compares: Non-Finnish European, 0.003%; no homozygotes.

Submissions (2):

Labcorp Genetics (formerly Invitae), Labcorp
Classification: Uncertain significance for Brugada syndrome 8. Last evaluated: 2026-01-27. Review status: criteria provided, single submitter. Criteria: Invitae Variant Classification Sherloc (09022015). Collection method: clinical testing. Allele origin: germline.
Comment: This sequence change replaces alanine, which is neutral and non-polar, with threonine, which is neutral and polar, at codon 187 of the HCN4 protein (p.Ala187Thr). This variant is present in population databases (rs761571946, gnomAD 0.005%). This variant has not been reported in the literature in individuals affected with HCN4-related conditions. ClinVar contains an entry for this variant (Variation ID: 222646). Invitae Evidence Modeling of protein sequence and biophysical properties (such as structural, functional, and spatial information, amino acid conservation, physicochemical variation, residue mobility, and thermodynamic stability) indicates that this missense variant is not expected to disrupt HCN4 protein function with a negative predictive value of 95%. In summary, the available evidence is currently insufficient to determine the role of this variant in disease. Therefore, it has been classified as a Variant of Uncertain Significance.

Ambry Genetics
Classification: Uncertain significance for Cardiovascular phenotype. Last evaluated: 2025-02-25. Review status: criteria provided, single submitter. Criteria: Ambry Variant Classification Scheme 2023. Collection method: clinical testing. Allele origin: germline.
Comment: The p.A187T variant (also known as c.559G>A), located in coding exon 1 of the HCN4 gene, results from a G to A substitution at nucleotide position 559. The alanine at codon 187 is replaced by threonine, an amino acid with similar properties. This amino acid position is not well conserved in available vertebrate species. In addition, this alteration is predicted to be tolerated by in silico analysis. Based on the available evidence, the clinical significance of this variant remains unclear.

NM_005477.3(HCN4):c.559G>A (p.Ala187Thr)

Gene: HCN4 (hyperpolarization activated cyclic nucleotide gated potassium channel 4; minus strand). Cytogenetic location: 15q24.1.
Variant type: single nucleotide variant.
Coding change: c.559G>A on transcript NM_005477.3 (MANE Select); coding-DNA position 559, G replaced by A.
Protein change: p.Ala187Thr; replaces alanine 187 with threonine.
Molecular consequence: missense variant.
Genome position (GRCh38, 1-based): chr15:73,367,712, C>T on the plus strand (G>A on the coding strand, the complement: HCN4 is on the minus strand). VCF-style: chr15-73367712-C-T. GRCh37 (hg19) VCF-style: chr15-73660053-C-T.
Other names: short protein forms A187T.
Identifiers: ClinVar variation 222646 (VCV000222646.13), dbSNP rs761571946, ClinGen allele CA087867.
Genomic context (GRCh38, chr15:73,367,712, plus strand): 5'-GCACCTCGGCCTCCGGGAGGATCTGGTCGCCGGCAGCCGCGCCTCCCTCCACTTTGATAG[C>T]GGTGTCCACCGAGGGCTGCTCGCAGGAGGCGGAGGCCGGCTGCGGTGGCTGCTGGGGCGG-3'
Protein context (NP_005468.1, residues 177-197): ASCEQPSVDT[Ala187Thr]IKVEGGAAAG